The following is an entry in ClinVar:

ClinVar aggregate classification (germline): Conflicting classifications of pathogenicity. Review status: criteria provided, conflicting classifications (1 of 4 stars). 3 submissions from 3 submitters: Uncertain significance (2); Benign (1). Last evaluated 2026-01-27.

Conditions:
Inborn genetic diseases. Identifiers: MedGen C0950123, MeSH D030342.

Allele frequency attached by ClinVar (database versions not stated): TOPMed 0.00001; ExAC 0.00005; gnomAD exomes 0.00005; 1000 Genomes Project 30x 0.00016; 1000 Genomes Project 0.00020.

Submissions (3):

Labcorp Genetics (formerly Invitae), Labcorp
Classification: Uncertain significance. Last evaluated: 2026-01-27. Review status: criteria provided, single submitter. Criteria: Invitae Variant Classification Sherloc (09022015). Collection method: clinical testing. Allele origin: germline.
Comment: This sequence change replaces asparagine, which is neutral and polar, with serine, which is neutral and polar, at codon 246 of the TEAD1 protein (p.Asn246Ser). This variant is present in population databases (rs201724459, gnomAD 0.06%). This variant has not been reported in the literature in individuals affected with TEAD1-related conditions. ClinVar contains an entry for this variant (Variation ID: 957946). Invitae Evidence Modeling of protein sequence and biophysical properties (such as structural, functional, and spatial information, amino acid conservation, physicochemical variation, residue mobility, and thermodynamic stability) indicates that this missense variant is not expected to disrupt TEAD1 protein function with a negative predictive value of 80%. In summary, the available evidence is currently insufficient to determine the role of this variant in disease. Therefore, it has been classified as a Variant of Uncertain Significance.

Blueprint Genetics
Classification: Benign. Last evaluated: 2024-11-11. Review status: criteria provided, single submitter. Criteria: ACMG Guidelines, 2015. Collection method: clinical testing. Allele origin: germline.

Ambry Genetics
Classification: Uncertain significance for Inborn genetic diseases. Last evaluated: 2021-10-22. Review status: criteria provided, single submitter. Criteria: Ambry Variant Classification Scheme 2023. Collection method: clinical testing. Allele origin: germline.

NM_021961.6(TEAD1):c.737A>G (p.Asn246Ser)

Gene: TEAD1 (TEA domain transcription factor 1; plus strand). Cytogenetic location: 11p15.3.
Variant type: single nucleotide variant.
Coding change: c.737A>G on transcript NM_021961.6 (MANE Select); coding-DNA position 737, A replaced by G.
Protein change: p.Asn246Ser; replaces asparagine 246 with serine.
Molecular consequence: missense variant.
Genome position (GRCh38, 1-based): chr11:12,901,977, A>G. VCF-style: chr11-12901977-A-G. GRCh37 (hg19) VCF-style: chr11-12923524-A-G.
Other names: short protein forms N246S.
Identifiers: ClinVar variation 957946 (VCV000957946.10), dbSNP rs201724459, ClinGen allele CA5891733.
Genomic context (GRCh38, chr11:12,901,977, plus strand): 5'-ATGTTTCTGTTGGTTTCTTACAGTACAACAAACACCTCTTCGTGCACATTGGGCATGCCA[A>G]CCATTCTTACAGTGACCCATTGCTTGAATCAGTGGACATTCGTCAGATTTATGACAAATT-3'
Protein context (NP_068780.2, residues 236-256): KHLFVHIGHA[Asn246Ser]HSYSDPLLES